The following is an entry in ClinVar:

ClinVar aggregate classification (germline): Uncertain significance (1 of 4 stars; one submission).

Conditions:
DOCK2 deficiency. Also called: Immunodeficiency 40. Identifiers: Orphanet 447737, MedGen C4225328, MONDO:0014637, OMIM 616433.

Allele frequency attached by ClinVar (database versions not stated): ExAC 0.00001; gnomAD exomes 0.00001.
gnomAD v4.1: 6 of 1,613,766 alleles (0.00037%); highest among the groups gnomAD compares: Non-Finnish European, 0.00051%; no homozygotes.

Submission:

Labcorp Genetics (formerly Invitae), Labcorp
Classification: Uncertain significance for DOCK2 deficiency. Last evaluated: 2022-03-24. Review status: criteria provided, single submitter. Criteria: Invitae Variant Classification Sherloc (09022015). Collection method: clinical testing. Allele origin: germline.
Comment: This sequence change replaces isoleucine, which is neutral and non-polar, with threonine, which is neutral and polar, at codon 681 of the DOCK2 protein (p.Ile681Thr). This variant is present in population databases (rs747454436, gnomAD 0.002%). This variant has not been reported in the literature in individuals affected with DOCK2-related conditions. ClinVar contains an entry for this variant (Variation ID: 949086). Algorithms developed to predict the effect of missense changes on protein structure and function (SIFT, PolyPhen-2, Align-GVGD) all suggest that this variant is likely to be disruptive. In summary, the available evidence is currently insufficient to determine the role of this variant in disease. Therefore, it has been classified as a Variant of Uncertain Significance.

NM_004946.3(DOCK2):c.2042T>C (p.Ile681Thr)

Gene: DOCK2 (dedicator of cytokinesis 2; plus strand). Cytogenetic location: 5q35.1.
Variant type: single nucleotide variant.
Coding change: c.2042T>C on transcript NM_004946.3 (MANE Select); coding-DNA position 2042, T replaced by C.
Protein change: p.Ile681Thr; replaces isoleucine 681 with threonine.
Molecular consequence: missense variant. On other transcripts: non-coding transcript variant (1).
Genome position (GRCh38, 1-based): chr5:169,717,394, T>C. VCF-style: chr5-169717394-T-C. GRCh37 (hg19) VCF-style: chr5-169144398-T-C.
Other names: short protein forms I681T.
Identifiers: ClinVar variation 949086 (VCV000949086.7), dbSNP rs747454436, ClinGen allele CA3553660.
Genomic context (GRCh38, chr5:169,717,394, plus strand): 5'-TCCTGCCCTGGGTTTGCCCTGAAAATACTGCTGCCTTGCATCTTCCTCAGATTTACATAA[T>C]AGGACTCATTGCAGACCGGAAATTTCAGCATTTCAACACCGTTCTGGAGGCTTACATCCA-3'
Protein context (NP_004937.1, residues 671-691): ILVFDALIYI[Ile681Thr]GLIADRKFQH